The following is an entry in ClinVar:

ClinVar aggregate classification (germline): Likely pathogenic (1 of 4 stars; one submission).

Conditions:
IQCE-related disorder. Also called: IQCE-related condition.

Submission:

PreventionGenetics, part of Exact Sciences
Classification: Likely pathogenic for IQCE-related condition. Last evaluated: 2026-08-18. Review status: criteria provided, single submitter. Criteria: ACMG Guidelines, 2015. Collection method: clinical testing. Allele origin: germline.
Comment: The IQCE c.1614_1617delAAAG variant is predicted to result in a frameshift and premature protein termination (p.Lys539Leufs*24). To our knowledge, this variant has not been reported in the literature. This variant is reported in 0.013% of alleles in individuals of Latino descent in gnomAD. Frameshift variants in IQCE are expected to be pathogenic. This variant is interpreted as likely pathogenic.

NM_152558.5(IQCE):c.1614_1617del (p.Lys539fs)

Gene: IQCE (IQ motif containing E; plus strand). Cytogenetic location: 7p22.3.
Variant type: Deletion.
Coding change: c.1614_1617del on transcript NM_152558.5 (MANE Select); coding-DNA positions 1614 to 1617, 4 bases deleted (AAAG; older notation c.1614_1617delAAAG).
Protein change: p.Lys539fs; shifts the reading frame from lysine 539.
Molecular consequence: frameshift variant.
Genome position (GRCh38, 1-based): chr7:2,601,446-2,601,449, AAAG deleted. VCF-style (leftmost placement, unchanged base first): chr7-2601445-AAAAG-A. GRCh37 (hg19) VCF-style: chr7-2641079-AAAAG-A.
Other names: c.1614_1617del, p.Lys539fs (NM_001287499.2); c.1566_1569del, p.Lys523fs (NM_001287500.2, NM_001410865.1); c.1419_1422del, p.Lys474fs (NM_001287501.2, NM_001287502.2); short protein forms K474fs, K523fs, K539fs.
Identifiers: ClinVar variation 4978637 (VCV004978637.1).